The following is an entry in ClinVar:

NM_001267550.2(TTN):c.32245T>C (p.Ser10749Pro)

Gene: TTN (titin; minus strand). Cytogenetic location: 2q31.2.
Variant type: single nucleotide variant.
Coding change: c.32245T>C on transcript NM_001267550.2 (MANE Select); coding-DNA position 32245, T replaced by C.
Protein change: p.Ser10749Pro; replaces serine 10749 with proline.
Molecular consequence: missense variant. On other transcripts: intron variant (3).
Genome position (GRCh38, 1-based): chr2:178,688,177, A>G on the plus strand (T>C on the coding strand, the complement: TTN is on the minus strand). VCF-style: chr2-178688177-A-G. GRCh37 (hg19) VCF-style: chr2-179552904-A-G.
Other names: c.31294T>C, p.Ser10432Pro (NM_001256850.1); c.28513T>C, p.Ser9505Pro (NM_133378.4); c.13283-45860T>C (NM_003319.4); c.13859-45860T>C (NM_133437.4); c.13658-45860T>C (NM_133432.3); short protein forms S10432P, S10749P, S9505P.
Identifiers: ClinVar variation 3368006 (VCV003368006.1).

ClinVar aggregate classification (germline): Uncertain significance (1 of 4 stars; one submission).

gnomAD v4.1: 1 of 1,612,942 alleles (0.000062%); highest among the groups gnomAD compares: Non-Finnish European, 0.000085%; no homozygotes.

Submission:

GeneDx
Classification: Uncertain significance. Last evaluated: 2024-01-19. Review status: criteria provided, single submitter. Criteria: GeneDx Variant Classification Process June 2021. Collection method: clinical testing. Allele origin: germline. Affected: yes.
Comment: Not observed at significant frequency in large population cohorts (gnomAD); Missense variant in a gene in which most reported pathogenic variants are truncating/loss of function; Has not been previously published as pathogenic or benign to our knowledge